The following is an entry in ClinVar:

ClinVar aggregate classification (germline): Pathogenic (1 of 4 stars; one submission).

Submission:

Labcorp Genetics (formerly Invitae), Labcorp
Classification: Pathogenic. Last evaluated: 2022-03-19. Review status: criteria provided, single submitter. Criteria: Invitae Variant Classification Sherloc (09022015). Collection method: clinical testing. Allele origin: germline.
Comment: For these reasons, this variant has been classified as Pathogenic. This variant has not been reported in the literature in individuals affected with TMPRSS15-related conditions. This variant is not present in population databases (gnomAD no frequency). This sequence change creates a premature translational stop signal (p.Cys221Valfs*11) in the TMPRSS15 gene. It is expected to result in an absent or disrupted protein product. Loss-of-function variants in TMPRSS15 are known to be pathogenic (PMID: 11719902).

Literature cited by the submitters: PubMed 11719902.

NM_002772.3(TMPRSS15):c.661del (p.Cys221fs)

Gene: TMPRSS15 (transmembrane serine protease 15; minus strand). Cytogenetic location: 21q21.1.
Variant type: Deletion.
Coding change: c.661del on transcript NM_002772.3 (MANE Select); coding-DNA position 661, one base deleted (T; older notation c.661delT).
Protein change: p.Cys221fs; shifts the reading frame from cysteine 221.
Molecular consequence: frameshift variant.
Genome position (GRCh38, 1-based): chr21:18,372,196, A deleted on the plus strand (T on the coding strand, the reverse complement: TMPRSS15 is on the minus strand). VCF-style (leftmost placement, unchanged base first): chr21-18372195-CA-C. GRCh37 (hg19) VCF-style: chr21-19744512-CA-C.
Other names: short protein forms C221fs.
Identifiers: ClinVar variation 2114207 (VCV002114207.4), dbSNP rs2516785650, ClinGen allele CA2580098525.